The following is an entry in ClinVar:

NM_000489.6(ATRX):c.5776G>A (p.Asp1926Asn)

Gene: ATRX (ATRX chromatin remodeler; minus strand). Cytogenetic location: Xq21.1.
Variant type: single nucleotide variant.
Coding change: c.5776G>A on transcript NM_000489.6 (MANE Select); coding-DNA position 5776, G replaced by A.
Protein change: p.Asp1926Asn; replaces aspartic acid 1926 with asparagine.
Molecular consequence: missense variant.
Genome position (GRCh38, 1-based): chrX:77,599,742, C>T on the plus strand (G>A on the coding strand, the complement: ATRX is on the minus strand). VCF-style: chrX-77599742-C-T. GRCh37 (hg19) VCF-style: chrX-76855211-C-T.
Other names: c.5662G>A, p.Asp1888Asn (NM_138270.5); short protein forms D1888N, D1926N.
Identifiers: ClinVar variation 3893654 (VCV003893654.1).

ClinVar aggregate classification (germline): Uncertain significance (1 of 4 stars; one submission).

Submission:

GeneDx
Classification: Uncertain significance. Last evaluated: 2024-10-28. Review status: criteria provided, single submitter. Criteria: GeneDx Variant Classification Process June 2021. Collection method: clinical testing. Allele origin: germline. Affected: yes.
Comment: Not observed at significant frequency in large population cohorts (gnomAD); In silico analysis supports that this missense variant has a deleterious effect on protein structure/function; Has not been previously published as pathogenic or benign to our knowledge